The following is an entry in ClinVar:

ClinVar aggregate classification (germline): Pathogenic (1 of 4 stars; one submission).

Conditions:
Primary ciliary dyskinesia 3. Identifiers: Orphanet 244, MedGen C1837618, MONDO:0012085, OMIM 608644.

Submission:

Myriad Genetics, Inc.
Classification: Pathogenic for Primary ciliary dyskinesia 3. Last evaluated: 2024-05-14. Review status: criteria provided, single submitter. Criteria: Myriad Autosomal Dominant, Autosomal Recessive and X-Linked Classification Criteria (2023). Collection method: clinical testing. Allele origin: unknown.
Comment: NM_001369.2(DNAH5):c.4648_4649del2ins10(Q1550Yfs*5) is expected to be pathogenic in the context of primary ciliary dyskinesia, DNAH5-related. This variant is predicted to lead to an abnormal or absent protein product due to the creation of a premature termination codon in DNAH5, a gene where loss-of-function variants are known to be pathogenic. Please note: this variant was assessed in the context of healthy population screening.

NM_001369.3(DNAH5):c.4648_4649delinsTATAAGAGAC (p.Gln1550fs)

Genes: DNAH5 (dynein axonemal heavy chain 5; minus strand), DNAH5-AS1 (DNAH5 antisense RNA 1; plus strand). Cytogenetic location: 5p15.2.
Variant type: Indel.
Coding change: c.4648_4649delinsTATAAGAGAC on transcript NM_001369.3 (MANE Select); coding-DNA positions 4648 to 4649, CA replaced by TATAAGAGAC.
Protein change: p.Gln1550fs; shifts the reading frame from glutamine 1550.
Molecular consequence: frameshift variant.
Genome position (GRCh38, 1-based): chr5:13,862,695-13,862,696, TG replaced by GTCTCTTATA on the plus strand (CA replaced by TATAAGAGAC on the coding strand, the reverse complement: DNAH5 is on the minus strand). VCF-style: chr5-13862695-TG-GTCTCTTATA. GRCh37 (hg19) VCF-style: chr5-13862804-TG-GTCTCTTATA.
Other names: short protein forms Q1550fs.
Identifiers: ClinVar variation 5010919 (VCV005010919.1).
Genomic context (GRCh38, chr5:13,862,695, plus strand): 5'-TCTCCACGGGTTTTAAAGCTGCCGAAGGTGAATGTTTTATTGTCCCATTCATTAATCACT[TG>GTCTCTTATA]CTTCAGCTTTTGCTCAATGTCTCTCTCTTTCACCGCACTGATACAGATGTCCTATCAAAA-3'